The following is an entry in ClinVar:

ClinVar aggregate classification (germline): Benign. Review status: criteria provided, multiple submitters, no conflicts (2 of 4 stars). 3 submissions from 3 submitters: Benign (3). Last evaluated 2023-11-12.

Allele frequency attached by ClinVar (database versions not stated): 1000 Genomes Project 30x 0.18973; 1000 Genomes Project 0.19149; TOPMed 0.20023; gnomAD 0.20744 and 0.20860.
gnomAD v4.1: 272,837 of 1,174,472 alleles (23%); highest among the groups gnomAD compares: South Asian, 26%; 32,355 homozygotes.

Submissions (3):

Unidad de Genómica Garrahan, Hospital de Pediatría Garrahan
Classification: Benign. Last evaluated: 2023-11-12. Review status: criteria provided, single submitter. Criteria: ACMG Guidelines, 2015. Collection method: clinical testing. Allele origin: germline. Affected: no. Observed: 34 variant alleles.
Comment: This variant is classified as Benign based on local population frequency. This variant was detected in 35% of patients studied by a panel of primary immunodeficiencies. Number of patients: 34. Only high quality variants are reported.

GeneDx
Classification: Benign. Last evaluated: 2021-05-15. Review status: criteria provided, single submitter. Criteria: GeneDx Variant Classification Process June 2021. Collection method: clinical testing. Allele origin: germline. Affected: yes.

Breakthrough Genomics
Classification: Benign. Review status: criteria provided, single submitter. Criteria: ACMG Guidelines, 2015. Collection method: not provided. Allele origin: germline. Inheritance: Autosomal dominant inheritance. Affected: yes.

NM_002661.5(PLCG2):c.1557+65C>T

Gene: PLCG2 (phospholipase C gamma 2; plus strand). Cytogenetic location: 16q23.3.
Variant type: single nucleotide variant.
Coding change: c.1557+65C>T on transcript NM_002661.5 (MANE Select); 65 bases into the intron after coding-DNA position 1557, C replaced by T.
Molecular consequence: intron variant.
Genome position (GRCh38, 1-based): chr16:81,907,839, C>T. VCF-style: chr16-81907839-C-T. GRCh37 (hg19) VCF-style: chr16-81941444-C-T.
Identifiers: ClinVar variation 1265664 (VCV001265664.5), dbSNP rs71400183, ClinGen allele CA14270796.